The following is an entry in ClinVar:

ClinVar aggregate classification (germline): Uncertain significance. Review status: criteria provided, multiple submitters, no conflicts (2 of 4 stars). 2 submissions from 2 submitters: Uncertain significance (2). Last evaluated 2025-11-20.

gnomAD v4.1: 24 of 1,614,146 alleles (0.0015%); highest among the groups gnomAD compares: Admixed American, 0.022%; no homozygotes.

Submissions (2):

Ambry Genetics
Classification: Uncertain significance. Last evaluated: 2025-11-20. Review status: criteria provided, single submitter. Criteria: Ambry Variant Classification Scheme 2023. Collection method: clinical testing. Allele origin: germline.

CeGaT Center for Human Genetics Tuebingen
Classification: Uncertain significance. Last evaluated: 2025-05-01. Review status: criteria provided, single submitter. Criteria: CeGaT Center For Human Genetics Tuebingen Variant Classification Criteria Version 2. Collection method: clinical testing. Allele origin: germline. Affected: yes. Observed: 1 variant allele.
Comment: HHAT: PM2

NM_018194.6(HHAT):c.1135C>T (p.His379Tyr)

Gene: HHAT (hedgehog acyltransferase; plus strand). Cytogenetic location: 1q32.2.
Variant type: single nucleotide variant.
Coding change: c.1135C>T on transcript NM_018194.6 (MANE Select); coding-DNA position 1135, C replaced by T.
Protein change: p.His379Tyr; replaces histidine 379 with tyrosine.
Molecular consequence: missense variant.
Genome position (GRCh38, 1-based): chr1:210,587,989, C>T. VCF-style: chr1-210587989-C-T. GRCh37 (hg19) VCF-style: chr1-210761333-C-T.
Other names: c.1138C>T (NM_001170587.1); c.1135C>T, p.His379Tyr (NM_001122834.4, NM_001170580.3); c.724C>T, p.His242Tyr (NM_001170564.3); c.1138C>T, p.His380Tyr (NM_001170587.3); c.940C>T, p.His314Tyr (NM_001170588.3); short protein forms H242Y, H314Y, H379Y, H380Y.
Identifiers: ClinVar variation 3905190 (VCV003905190.10).